The following is an entry in ClinVar:

NM_000276.4(OCRL):c.1901T>C (p.Leu634Pro)

Gene: OCRL (OCRL inositol polyphosphate-5-phosphatase; plus strand). Cytogenetic location: Xq26.1.
Variant type: single nucleotide variant.
Coding change: c.1901T>C on transcript NM_000276.4 (MANE Select); coding-DNA position 1901, T replaced by C.
Protein change: p.Leu634Pro; replaces leucine 634 with proline.
Molecular consequence: missense variant.
Genome position (GRCh38, 1-based): chrX:129,576,338, T>C. VCF-style: chrX-129576338-T-C. GRCh37 (hg19) VCF-style: chrX-128710315-T-C.
Other names: c.1904T>C, p.Leu635Pro (NM_001318784.2); c.1901T>C, p.Leu634Pro (NM_001587.4); short protein forms L634P, L635P.
Identifiers: ClinVar variation 4882265 (VCV004882265.2).
Genomic context (GRCh38, chrX:129,576,338, plus strand): 5'-AGGTTTTCCTATTACCATGTATCATCTCTTACATTTCAGATGAGACAGTGGACATTTCTC[T>C]TGATGTGTATGTCAGCAAAGACTCTGTAACCATCCTGAACTCGGGAGAAGATAAGATTGA-3'
Protein context (NP_000267.2, residues 624-644): LEPNETVDIS[Leu634Pro]DVYVSKDSVT

ClinVar aggregate classification (germline): Uncertain significance (1 of 4 stars; one submission).

Submission:

Dasa
Classification: Uncertain significance. Last evaluated: 2025-06-29. Review status: criteria provided, single submitter. Criteria: DASA Assertion Criteria. Collection method: clinical testing. Allele origin: germline.
Comment: NM_000276.4(OCRL):c.1901T>C (p.Leu634Pro) is a missense variant that results in the substitution of leucine with proline. This variant is absent from population databases. Computational prediction algorithms are consistent with a deleterious effect. The currently available literature and clinical evidence are not sufficient to establish a definitive association between this variant and the reported condition. Therefore, this variant is classified as a variant of uncertain significance.